The following is an entry in ClinVar:

ClinVar aggregate classification (germline): Uncertain significance. Review status: criteria provided, multiple submitters, no conflicts (2 of 4 stars). 2 submissions from 2 submitters: Uncertain significance (2). Last evaluated 2025-02-03.

gnomAD v4.1: 5 of 1,613,848 alleles (0.00031%); highest among the groups gnomAD compares: Non-Finnish European, 0.00034%; 1 homozygote.

Submissions (2):

Ambry Genetics
Classification: Uncertain significance. Last evaluated: 2025-02-03. Review status: criteria provided, single submitter. Criteria: Ambry Variant Classification Scheme 2023. Collection method: clinical testing. Allele origin: germline.
Comment: The p.C715Y variant (also known as c.2144G>A), located in coding exon 13 of the GEN1 gene, results from a G to A substitution at nucleotide position 2144. The cysteine at codon 715 is replaced by tyrosine, an amino acid with highly dissimilar properties. This amino acid position is conserved. In addition, this alteration is predicted to be tolerated by in silico analysis. Based on the available evidence, the clinical significance of this variant remains unclear.

Labcorp Genetics (formerly Invitae), Labcorp
Classification: Uncertain significance. Last evaluated: 2024-07-26. Review status: criteria provided, single submitter. Criteria: Invitae Variant Classification Sherloc (09022015). Collection method: clinical testing. Allele origin: germline.
Comment: This sequence change replaces cysteine, which is neutral and slightly polar, with tyrosine, which is neutral and polar, at codon 715 of the GEN1 protein (p.Cys715Tyr). This variant is not present in population databases (gnomAD no frequency). This variant has not been reported in the literature in individuals affected with GEN1-related conditions. An algorithm developed to predict the effect of missense changes on protein structure and function outputs the following: PolyPhen-2: "Benign". The tyrosine amino acid residue is found in multiple mammalian species, which suggests that this missense change does not adversely affect protein function. In summary, the available evidence is currently insufficient to determine the role of this variant in disease. Therefore, it has been classified as a Variant of Uncertain Significance.

NM_001130009.3(GEN1):c.2144G>A (p.Cys715Tyr)

Gene: GEN1 (GEN1 structure-specific endonuclease; plus strand). Cytogenetic location: 2p24.2.
Variant type: single nucleotide variant.
Coding change: c.2144G>A on transcript NM_001130009.3 (MANE Select); coding-DNA position 2144, G replaced by A.
Protein change: p.Cys715Tyr; replaces cysteine 715 with tyrosine.
Molecular consequence: missense variant.
Genome position (GRCh38, 1-based): chr2:17,781,356, G>A. VCF-style: chr2-17781356-G-A. GRCh37 (hg19) VCF-style: chr2-17962623-G-A.
Other names: c.2144G>A (NM_001130009.1); c.2144G>A, p.Cys715Tyr (NM_182625.5); short protein forms C715Y.
Identifiers: ClinVar variation 3710174 (VCV003710174.3).